The following is an entry in ClinVar:

ClinVar aggregate classification (germline): Uncertain significance. Review status: criteria provided, multiple submitters, no conflicts (2 of 4 stars). 5 submissions from 5 submitters: Uncertain significance (5). Last evaluated 2026-02-06.

Conditions:
Immunodeficiency, common variable, 7. Identifiers: Orphanet 1572, Orphanet 696894, MedGen C3542922, MONDO:0013862, OMIM 614699.

Allele frequency attached by ClinVar (database versions not stated): gnomAD 0.00009 and 0.00010; ExAC 0.00010; gnomAD exomes 0.00010 and 0.00011; TOPMed 0.00011; ESP Exome Variant Server 0.00038.
gnomAD v4.1: 170 of 1,613,752 alleles (0.011%); highest among the groups gnomAD compares: Middle Eastern, 0.016%; no homozygotes.

Submissions (5):

Women's Health and Genetics/Laboratory Corporation of America, LabCorp
Classification: Uncertain significance. Last evaluated: 2026-02-06. Review status: criteria provided, single submitter. Criteria: LabCorp Variant Classification Summary - May 2015. Collection method: clinical testing. Allele origin: germline.
Comment: Variant summary: CR2 c.920C>T (p.Pro307Leu) results in a non-conservative amino acid change in the encoded protein sequence. Algorithms developed to predict the effect of missense changes on protein structure and function are either unavailable or do not agree on the potential impact of this missense change. The variant allele was found at a frequency of 0.0001 in 251110 control chromosomes. This frequency is not significantly higher than estimated for disease-causing variants in CR2, allowing no conclusion about variant significance. c.920C>T has been observed in an individual affected with common variable immune deficiency-7 without clear evidence for causality (Bendapudi_2024). These report(s) do not provide unequivocal conclusions about association of the variant with common variable immune deficiency-7. To our knowledge, no experimental evidence demonstrating an impact on protein function has been reported. The following publications have been ascertained in the context of this evaluation (PMID: 38096369, 38396937). ClinVar contains an entry for this variant (Variation ID: 639916). Based on the evidence outlined above, the variant was classified as uncertain significance.

CeGaT Center for Human Genetics Tuebingen
Classification: Uncertain significance. Last evaluated: 2025-07-01. Review status: criteria provided, single submitter. Criteria: CeGaT Center For Human Genetics Tuebingen Variant Classification Criteria Version 2. Collection method: clinical testing. Allele origin: germline. Affected: yes. Observed: 2 variant alleles.
Comment: CR2: PM2, BP4

Labcorp Genetics (formerly Invitae), Labcorp
Classification: Uncertain significance for Immunodeficiency, common variable, 7. Last evaluated: 2024-11-27. Review status: criteria provided, single submitter. Criteria: Invitae Variant Classification Sherloc (09022015). Collection method: clinical testing. Allele origin: germline.
Comment: This sequence change replaces proline, which is neutral and non-polar, with leucine, which is neutral and non-polar, at codon 307 of the CR2 protein (p.Pro307Leu). This variant is present in population databases (rs138199106, gnomAD 0.04%). This variant has not been reported in the literature in individuals affected with CR2-related conditions. ClinVar contains an entry for this variant (Variation ID: 639916). An algorithm developed to predict the effect of missense changes on protein structure and function (PolyPhen-2) suggests that this variant is likely to be disruptive. In summary, the available evidence is currently insufficient to determine the role of this variant in disease. Therefore, it has been classified as a Variant of Uncertain Significance.

Genome-Nilou Lab
Classification: Uncertain significance for Immunodeficiency, common variable, 7. Last evaluated: 2023-04-11. Review status: criteria provided, single submitter. Criteria: ACMG Guidelines, 2015. Collection method: clinical testing. Allele origin: germline. Affected: no.

Institute for Clinical Genetics, University Hospital TU Dresden, University Hospital TU Dresden
Classification: Uncertain significance. Last evaluated: 2021-11-03. Review status: criteria provided, single submitter. Criteria: ACMG Guidelines, 2015. Collection method: clinical testing. Allele origin: germline.

Literature cited by the submitters: PubMed 38096369 (cited by Women's Health and Genetics/Laboratory Corporation of America, LabCorp); PubMed 38396937 (cited by Women's Health and Genetics/Laboratory Corporation of America, LabCorp).

NM_001006658.3(CR2):c.920C>T (p.Pro307Leu)

Genes: CR2 (complement C3d receptor 2; plus strand), LOC126805994 (BRD4-independent group 4 enhancer GRCh37_chr1:207642622-207643821; plus strand). Cytogenetic location: 1q32.2.
Variant type: single nucleotide variant.
Coding change: c.920C>T on transcript NM_001006658.3 (MANE Select); coding-DNA position 920, C replaced by T.
Protein change: p.Pro307Leu; replaces proline 307 with leucine.
Molecular consequence: missense variant.
Genome position (GRCh38, 1-based): chr1:207,469,797, C>T. VCF-style: chr1-207469797-C-T. GRCh37 (hg19) VCF-style: chr1-207643142-C-T.
Other names: c.920C>T, p.Pro307Leu (NM_001877.5); c.920C>T (NM_001877.4); short protein forms P307L.
Identifiers: ClinVar variation 639916 (VCV000639916.24), dbSNP rs138199106, ClinGen allele CA1368584.